The following is an entry in ClinVar:

NM_198578.4(LRRK2):c.2172G>A (p.Met724Ile)

Gene: LRRK2 (leucine rich repeat kinase 2; plus strand). Cytogenetic location: 12q12.
Variant type: single nucleotide variant.
Coding change: c.2172G>A on transcript NM_198578.4 (MANE Select); coding-DNA position 2172, G replaced by A.
Protein change: p.Met724Ile; replaces methionine 724 with isoleucine.
Molecular consequence: missense variant.
Genome position (GRCh38, 1-based): chr12:40,278,192, G>A. VCF-style: chr12-40278192-G-A. GRCh37 (hg19) VCF-style: chr12-40671994-G-A.
Other names: short protein forms M724I.
Identifiers: ClinVar variation 1787128 (VCV001787128.2), dbSNP rs180861646, ClinGen allele CA235331743.

ClinVar aggregate classification (germline): Uncertain significance (1 of 4 stars; one submission).

Conditions:
Inborn genetic diseases. Identifiers: MedGen C0950123, MeSH D030342.

Allele frequency attached by ClinVar (database versions not stated): TOPMed below 0.00001; 1000 Genomes Project 30x 0.00016; 1000 Genomes Project 0.00020.

Submission:

Ambry Genetics
Classification: Uncertain significance for Inborn genetic diseases. Last evaluated: 2022-05-01. Review status: criteria provided, single submitter. Criteria: Ambry Variant Classification Scheme 2023. Collection method: clinical testing. Allele origin: germline.
Comment: The p.M724I variant (also known as c.2172G>A), located in coding exon 18 of the LRRK2 gene, results from a G to A substitution at nucleotide position 2172. The methionine at codon 724 is replaced by isoleucine, an amino acid with highly similar properties. This amino acid position is conserved. In addition, the in silico prediction for this alteration is inconclusive. Since supporting evidence is limited at this time, the clinical significance of this alteration remains unclear.